The following is an entry in ClinVar:

NM_024548.4(CEP97):c.2083_2084insC (p.Leu695fs)

Gene: CEP97 (centrosomal protein 97; plus strand). Cytogenetic location: 3q12.3.
Variant type: Insertion.
Coding change: c.2083_2084insC on transcript NM_024548.4 (MANE Select); coding-DNA positions 2083 to 2084, C inserted.
Protein change: p.Leu695fs; shifts the reading frame from leucine 695.
Molecular consequence: frameshift variant.
Genome position: GRCh38 VCF-style: chr3-101765036-T-TC. GRCh37 (hg19) VCF-style: chr3-101483880-T-TC.
Other names: c.1906_1907insC, p.Leu636fs (NM_001303401.2); c.1981_1982insC, p.Leu661fs (NM_001410784.1); c.1804_1805insC, p.Leu602fs (NM_001410785.1); short protein forms L695fs, L636fs, L602fs, L661fs.
Identifiers: ClinVar variation 2748550 (VCV002748550.3), dbSNP rs2545852809, ClinGen allele CA2697556782.

ClinVar aggregate classification (germline): Uncertain significance (1 of 4 stars; one submission).

Submission:

Labcorp Genetics (formerly Invitae), Labcorp
Classification: Uncertain significance. Last evaluated: 2025-07-28. Review status: criteria provided, single submitter. Criteria: Invitae Variant Classification Sherloc (09022015). Collection method: clinical testing. Allele origin: germline.
Comment: This sequence change creates a premature translational stop signal (p.Leu695Serfs*27) in the CEP97 gene. While this is not anticipated to result in nonsense mediated decay, it is expected to disrupt the last 171 amino acid(s) of the CEP97 protein. This variant is not present in population databases (gnomAD no frequency). This variant has not been reported in the literature in individuals affected with CEP97-related conditions. ClinVar contains an entry for this variant (Variation ID: 2748550). Experimental studies and prediction algorithms are not available or were not evaluated, and the functional significance of this variant is currently unknown. In summary, the available evidence is currently insufficient to determine the role of this variant in disease. Therefore, it has been classified as a Variant of Uncertain Significance.